The following is an entry in ClinVar:

NM_018129.4(PNPO):c.481C>T (p.Arg161Cys)

Gene: PNPO (pyridoxamine 5'-phosphate oxidase; plus strand). Cytogenetic location: 17q21.32.
Variant type: single nucleotide variant.
Coding change: c.481C>T on transcript NM_018129.4 (MANE Select); coding-DNA position 481, C replaced by T.
Protein change: p.Arg161Cys; replaces arginine 161 with cysteine.
Molecular consequence: missense variant.
Genome position (GRCh38, 1-based): chr17:47,945,924, C>T. VCF-style: chr17-47945924-C-T. GRCh37 (hg19) VCF-style: chr17-46023290-C-T.
Other names: p.R161C:CGC>TGC; short protein forms R161C.
Identifiers: ClinVar variation 206446 (VCV000206446.16), dbSNP rs146027425, ClinGen allele CA316557.

ClinVar aggregate classification (germline): Pathogenic/Likely pathogenic. Review status: criteria provided, multiple submitters, no conflicts (2 of 4 stars). 6 submissions from 6 submitters: Pathogenic (3); Likely pathogenic (2). 1 of the submissions does not count toward it. Last evaluated 2026-01-19.

Conditions:
Pyridoxal phosphate-responsive seizures (PNPOD). Also called: Pyridoxamine 5-Prime-Phosphate Oxidase Deficiency; Pyridoxine-5'-phosphate oxidase deficiency; EPILEPTIC ENCEPHALOPATHY, NEONATAL, PNPO-RELATED; SEIZURES, PYRIDOXINE-RESISTANT, PLP-SENSITIVE; Pyridoxal 5'-Phosphate (PLP)-Dependent Epilepsy. Identifiers: Orphanet 79096, MedGen C1864723, MONDO:0012407, OMIM 610090. Disease mechanism: loss of function.

Allele frequency attached by ClinVar (database versions not stated): TOPMed 0.00004; ESP Exome Variant Server 0.00008.
gnomAD v4.1: 12 of 1,613,826 alleles (0.00074%); highest among the groups gnomAD compares: East Asian, 0.0022%; no homozygotes.

Submissions (6):

Labcorp Genetics (formerly Invitae), Labcorp
Classification: Pathogenic for Pyridoxal phosphate-responsive seizures. Last evaluated: 2026-01-19. Review status: criteria provided, single submitter. Criteria: Invitae Variant Classification Sherloc (09022015). Collection method: clinical testing. Allele origin: germline.
Comment: This sequence change replaces arginine, which is basic and polar, with cysteine, which is neutral and slightly polar, at codon 161 of the PNPO protein (p.Arg161Cys). This variant is present in population databases (rs146027425, gnomAD 0.003%). This missense change has been observed in individual(s) with pyridoxal 5'-phosphate-dependent epilepsy (PMID: 27014579, 28349276). In at least one individual the data is consistent with being in trans (on the opposite chromosome) from a pathogenic variant. ClinVar contains an entry for this variant (Variation ID: 206446). Invitae Evidence Modeling of protein sequence and biophysical properties (such as structural, functional, and spatial information, amino acid conservation, physicochemical variation, residue mobility, and thermodynamic stability) indicates that this missense variant is expected to disrupt PNPO protein function with a positive predictive value of 80%. This variant disrupts the p.Arg161 amino acid residue in PNPO. Other variant(s) that disrupt this residue have been determined to be pathogenic (PMID: 29588952). This suggests that this residue is clinically significant, and that variants that disrupt this residue are likely to be disease-causing. For these reasons, this variant has been classified as Pathogenic.

Women's Health and Genetics/Laboratory Corporation of America, LabCorp
Classification: Pathogenic for Pyridoxal phosphate-responsive seizures. Last evaluated: 2024-10-02. Review status: criteria provided, single submitter. Criteria: LabCorp Variant Classification Summary - May 2015. Collection method: clinical testing. Allele origin: germline.
Comment: Variant summary: PNPO c.481C>T (p.Arg161Cys) results in a non-conservative amino acid change in the encoded protein sequence. Five of five in-silico tools predict a damaging effect of the variant on protein function. The variant allele was found at a frequency of 1.6e-05 in 251254 control chromosomes. c.481C>T has been reported in the literature in compound heterzygous or homozygous individuals affected with Pyridoxal 5'-Phosphate-Dependent Epilepsy (e.g. Jiao_2023, Jaeger_2016, Yang_2022). These data indicate that the variant is likely to be associated with disease. At least one publication reports experimental evidence evaluating an impact on protein function. The most pronounced variant effect results in decreased affinity for the pyridoxine 5-phosphate substrate and abolished allosteric feedback inhibition exerted by the pyridoxal 5-phosphate product (Barile_2021). The following publications have been ascertained in the context of this evaluation (PMID: 34769443, 27014579, 36106796, 35715422). ClinVar contains an entry for this variant (Variation ID: 206446). Based on the evidence outlined above, the variant was classified as pathogenic.

Victorian Clinical Genetics Services, Murdoch Childrens Research Institute
Classification: Pathogenic for Pyridoxal phosphate-responsive seizures. Last evaluated: 2023-07-17. Review status: criteria provided, single submitter. Criteria: ACMG Guidelines, 2015. Collection method: clinical testing. Allele origin: germline. Inheritance: Autosomal recessive inheritance.
Comment: Based on the classification scheme VCGS_Germline_v1.3.4, this variant is classified as pathogenic. The following criteria are met: 0102 - Loss of function is a known mechanism of disease in this gene and is associated with pyridoxamine 5'-phosphate oxidase deficiency (MIM#610090). (I) 0106 - This gene is associated with autosomal recessive disease. (I) 0115 - Variants in this gene are known to have variable expressivity (GeneReviews, OMIM). (I) 0200 - Variant is predicted to result in a missense amino acid change from arginine to cysteine. (I) 0251 - This variant is heterozygous. (I) 0304 - Variant is present in gnomAD <0.01 for a recessive condition (v2 and v3: 5 heterozygotes, 0 homozygotes). (SP) 0309 - Multiple alternative amino acid changes at the same position have been observed in gnomAD (v2 and v3) (highest allele count: 7 heterozygotes, 0 homozygotes). (I) 0501 - Missense variant consistently predicted to be damaging by multiple in silico tools or highly conserved with a major amino acid change. (SP) 0601 - Variant is located in a functional binding site (DECIPHER; PMIDs: 34769443, 32888189). (SP) 0801 - This variant has strong previous evidence of pathogenicity in unrelated individuals. This variant has been classified as likely pathogenic and pathogenic by multiple clinical diagnostic laboratories and have been reported in multiple newborns who developed seizures very early in life (ClinVar, PMIDs: 35636100, 35715422, 36106796). (SP) 1002 - This variant has moderate functional evidence supporting abnormal protein function. Using site-directed mutagenesis, the p.(Arg161Cys) variant has been shown to decrease the affinity of the pyridoxine 5'-phosphate substrate to the p.Arg161 active site and abolish the allosteric feedback inhibition exerted by the pyridoxal 5'-phosphate product (PMID: 34769443). (SP) 0703 - Other missense variants comparable to the one identified in this case have moderate previous evidence for pathogenicity. The p.(Arg161His) and p.(Arg161Gly) variants have been reported in at least two newborns who developed seizures very early in life (PMIDs: 29588952, 33981986). (SP) Legend: (SP) - Supporting pathogenic, (I) - Information, (SB) - Supporting benign

GeneDx
Classification: Likely pathogenic. Last evaluated: 2013-05-20. Review status: criteria provided, single submitter. Criteria: GeneDx Variant Classification (06012015). Collection method: clinical testing. Allele origin: germline. Affected: yes.
Comment: p.Arg161Cys (CGC>TGC): c.481 C>T in exon 5 of the PNPO gene (NM_018129.3). The Arg161Cys missense change has not been published as a mutation, nor has it been reported as a benign polymorphism to our knowledge. The amino acid substitution is non-conservative, as a positively charged Arginine residue is replaced by an uncharged Cysteine residue, and the gain of a Cysteine may affect disulfide bond formation. Arg161Cys alters a highly conserved position in the protein, and multiple in silico algorithms predict it may be damaging to protein structure/function. Therefore, based on the currently available information, Arg161Cys is a strong candidate for a disease-causing mutation, although the possibility that it is a benign variant cannot be excluded. The variant is found in INFANT-EPI panel(s).

Juno Genomics, Hangzhou Juno Genomics, Inc
Classification: Likely pathogenic for Pyridoxal phosphate-responsive seizures. Review status: criteria provided, single submitter. Criteria: ACMG Guidelines, 2015. Collection method: clinical testing. Allele origin: germline.
Comment: Absent from controls (or at extremely low frequency if recessive) in Genome Aggregation Database.;Multiple lines of computational evidence support a deleterious effect on the gene or gene product.;For recessive disorders, detected in trans with a pathogenic variant.;Patient's phenotype or family history is highly specific for a disease with a single genetic etiology.

Center for Molecular Medicine, Children’s Hospital of Fudan University
Classification: Likely pathogenic for Pyridoxal phosphate-responsive seizures. Last evaluated: 2022-02-08. Review status: no assertion criteria provided. Collection method: clinical testing. Allele origin: biparental. Affected: yes. Not counted in ClinVar's aggregate classification.

Literature cited by the submitters: PubMed 27014579 (cited by 3 submitters); PubMed 28349276 (cited by Labcorp Genetics (formerly Invitae), Labcorp); PubMed 29588952 (cited by Labcorp Genetics (formerly Invitae), Labcorp and Victorian Clinical Genetics Services, Murdoch Childrens Research Institute); PubMed 34769443 (cited by Women's Health and Genetics/Laboratory Corporation of America, LabCorp and Victorian Clinical Genetics Services, Murdoch Childrens Research Institute); PubMed 36106796 (cited by Women's Health and Genetics/Laboratory Corporation of America, LabCorp and Victorian Clinical Genetics Services, Murdoch Childrens Research Institute); PubMed 35715422 (cited by Women's Health and Genetics/Laboratory Corporation of America, LabCorp and Victorian Clinical Genetics Services, Murdoch Childrens Research Institute); PubMed 32888189 (cited by Victorian Clinical Genetics Services, Murdoch Childrens Research Institute); PubMed 33981986 (cited by Victorian Clinical Genetics Services, Murdoch Childrens Research Institute); PubMed 35636100 (cited by Victorian Clinical Genetics Services, Murdoch Childrens Research Institute).